The following is an entry in ClinVar:

ClinVar aggregate classification (germline): Uncertain significance (1 of 4 stars; one submission).

Conditions:
Neurofibromatosis, type 1 (NF1). Also called: NEUROFIBROMATOSIS, TYPE I, SOMATIC; Neurofibromatosis, type I; VON RECKLINGHAUSEN DISEASE; Peripheral type neurofibromatosis. Identifiers: Orphanet 636, MedGen C0027831, MONDO:0018975, OMIM 162200. Disease mechanism: loss of function.

Submission:

Labcorp Genetics (formerly Invitae), Labcorp
Classification: Uncertain significance for Neurofibromatosis, type 1. Last evaluated: 2021-10-07. Review status: criteria provided, single submitter. Criteria: Invitae Variant Classification Sherloc (09022015). Collection method: clinical testing. Allele origin: germline.
Comment: This sequence change replaces glycine with arginine at codon 2506 of the NF1 protein (p.Gly2506Arg). The glycine residue is highly conserved and there is a moderate physicochemical difference between glycine and arginine. This variant is not present in population databases (ExAC no frequency). This variant has not been reported in the literature in individuals affected with NF1-related conditions. Advanced modeling of protein sequence and biophysical properties (such as structural, functional, and spatial information, amino acid conservation, physicochemical variation, residue mobility, and thermodynamic stability) performed at Invitae indicates that this missense variant is expected to disrupt NF1 protein function. In summary, the available evidence is currently insufficient to determine the role of this variant in disease. Therefore, it has been classified as a Variant of Uncertain Significance.

NM_001042492.3(NF1):c.7579G>A (p.Gly2527Arg)

Gene: NF1 (neurofibromin 1; plus strand). Cytogenetic location: 17q11.2.
Variant type: single nucleotide variant.
Coding change: c.7579G>A on transcript NM_001042492.3 (MANE Select); coding-DNA position 7579, G replaced by A.
Protein change: p.Gly2527Arg; replaces glycine 2527 with arginine.
Molecular consequence: missense variant.
Genome position (GRCh38, 1-based): chr17:31,352,378, G>A. VCF-style: chr17-31352378-G-A. GRCh37 (hg19) VCF-style: chr17-29679396-G-A.
Other names: c.7516G>A, p.Gly2506Arg (NM_000267.4); short protein forms G2506R, G2527R.
Identifiers: ClinVar variation 1484939 (VCV001484939.6), dbSNP rs2151577333, ClinGen allele CA399017767.
Genomic context (GRCh38, chr17:31,352,378, plus strand): 5'-ACCTATCCAACTGTCGGCCAGACCAGTCCCCGAGCCAGGAAATCCATGAGCCTGGACATG[G>A]GGCAACCTTCTCAGGCCAACACTAAGAAGTTGCTTGGTTAGTTTATCTAAATTATGTAGA-3'
Protein context (NP_001035957.1, residues 2517-2537): RARKSMSLDM[Gly2527Arg]QPSQANTKKL